The following is an entry in ClinVar:

NM_000346.4(SOX9):c.1320C>T (p.Tyr440=)

Gene: SOX9 (SRY-box transcription factor 9; plus strand). Cytogenetic location: 17q24.3.
Variant type: single nucleotide variant.
Coding change: c.1320C>T on transcript NM_000346.4 (MANE Select); coding-DNA position 1320, C replaced by T.
Protein change: p.Tyr440=; no amino-acid change (tyrosine 440 retained).
Molecular consequence: synonymous variant.
Genome position (GRCh38, 1-based): chr17:72,124,177, C>T. VCF-style: chr17-72124177-C-T. GRCh37 (hg19) VCF-style: chr17-70120318-C-T.
Identifiers: ClinVar variation 669152 (VCV000669152.13), dbSNP rs80338688, ClinGen allele CA8739141.

ClinVar aggregate classification (germline): Benign/Likely benign. Review status: criteria provided, multiple submitters, no conflicts (2 of 4 stars). 3 submissions from 3 submitters: Benign (1); Likely benign (2). Last evaluated 2025-10-21.

Conditions:
Camptomelic dysplasia (CMPD). Also called: CMPD1/SRA1; Campomelic Dysplasia. Identifiers: Orphanet 140, MedGen C1861922, MONDO:0007251, OMIM 114290.

Allele frequency attached by ClinVar (database versions not stated): gnomAD exomes 0.00022 and 0.00033; ExAC 0.00028; 1000 Genomes Project 0.00040; 1000 Genomes Project 30x 0.00047; TOPMed 0.00092; gnomAD 0.00093 and 0.00095.
gnomAD v4.1: 490 of 1,613,884 alleles (0.03%); highest among the groups gnomAD compares: Middle Eastern, 0.28%; 2 homozygotes.

Submissions (3):

Labcorp Genetics (formerly Invitae), Labcorp
Classification: Benign for Camptomelic dysplasia. Last evaluated: 2025-10-21. Review status: criteria provided, single submitter. Criteria: Invitae Variant Classification Sherloc (09022015). Collection method: clinical testing. Allele origin: germline.

Blueprint Genetics
Classification: Likely benign. Last evaluated: 2024-11-27. Review status: criteria provided, single submitter. Criteria: ACMG Guidelines, 2015. Collection method: clinical testing. Allele origin: germline.

GeneDx
Classification: Likely benign. Last evaluated: 2018-05-29. Review status: criteria provided, single submitter. Criteria: GeneDx Variant Classification (06012015). Collection method: clinical testing. Allele origin: germline. Affected: yes.
Comment: This variant is considered likely benign or benign based on one or more of the following criteria: it is a conservative change, it occurs at a poorly conserved position in the protein, it is predicted to be benign by multiple in silico algorithms, and/or has population frequency not consistent with disease.